The following is an entry in ClinVar:

NM_002035.4(KDSR):c.544G>A (p.Gly182Ser)

Gene: KDSR (3-ketodihydrosphingosine reductase; minus strand). Cytogenetic location: 18q21.33.
Variant type: single nucleotide variant.
Coding change: c.544G>A on transcript NM_002035.4 (MANE Select); coding-DNA position 544, G replaced by A.
Protein change: p.Gly182Ser; replaces glycine 182 with serine.
Molecular consequence: missense variant.
Genome position (GRCh38, 1-based): chr18:63,350,953, C>T on the plus strand (G>A on the coding strand, the complement: KDSR is on the minus strand). VCF-style: chr18-63350953-C-T. GRCh37 (hg19) VCF-style: chr18-61018186-C-T.
Other names: short protein forms G182S.
Identifiers: ClinVar variation 2572585 (VCV002572585.1), dbSNP rs751571336, ClinGen allele CA8986074.
Genomic context (GRCh38, chr18:63,350,953, plus strand): 5'-TCTGCAAAGCTTCTGCCAATCCCCTTATGGCAAACTTGGATGCAGAGTAGGCTGTGAAAC[C>T]GAATAATCCCAACTGTCCTGCCTGGGAGGACACAAACACGATCCTGCCCACCCGGCGCTC-3'
Protein context (NP_002026.1, residues 172-192): SSQAGQLGLF[Gly182Ser]FTAYSASKFA

ClinVar aggregate classification (germline): Likely pathogenic (1 of 4 stars; one submission).

Conditions:
Erythrokeratodermia variabilis et progressiva 4 (EKVP4). Identifiers: MedGen C4479620, MONDO:0033014, OMIM 617526.

Allele frequency attached by ClinVar (database versions not stated): ExAC 0.00001.

Submission:

3billion
Classification: Likely pathogenic for Erythrokeratodermia variabilis et progressiva 4. Review status: criteria provided, single submitter. Criteria: ACMG Guidelines, 2015. Collection method: clinical testing. Allele origin: unknown. Affected: yes. Observed: 1 homozygote.
Comment: The homozygous missense variant is observed at an extremely low frequency in the gnomAD v2.1.1 dataset (total allele frequency: <0.001%). Functional studies provide moderate evidence of having a damaging effect on the gene or gene product (PMID: 28774589). In silico tool predictions suggest damaging effect of the variant on gene or gene product (REVEL: 0.84; 3Cnet: 0.21). The same nucleotide change resulting in the same amino acid change has been previously reported to be associated with KDSR-related disorder (PMID: 28774589). Therefore, this variant is classified as likely pathogenic according to the recommendation of ACMG/AMP guideline.

Literature cited by the submitters: PubMed 28774589.